The following is an entry in ClinVar:

ClinVar aggregate classification (germline): Pathogenic/Likely pathogenic. Review status: criteria provided, multiple submitters, no conflicts (2 of 4 stars). 7 submissions from 7 submitters: Pathogenic (3); Likely pathogenic (3). 1 of the submissions does not count toward it. Last evaluated 2026-09-11.

Conditions:
TCIRG1-related disorder. Also called: TCIRG1-related condition.
Autosomal recessive osteopetrosis 1. Also called: TCIRG1-Related Osteopetrosis; ALBERS-SCHONBERG DISEASE, AUTOSOMAL RECESSIVE; TCIRG1-Related Autosomal Recessive Osteopetrosis. Identifiers: Orphanet 667, MedGen C1850127, MONDO:0009815, OMIM 259700.

Submissions (7):

PreventionGenetics, part of Exact Sciences
Classification: Pathogenic for TCIRG1-related condition. Last evaluated: 2026-09-11. Review status: criteria provided, single submitter. Criteria: ACMG Guidelines, 2015. Collection method: clinical testing. Allele origin: germline.
Comment: The TCIRG1 c.480dupG variant is predicted to result in a frameshift and premature protein termination (p.Pro161Alafs*66). This variant has been reported in an individual with autosomal recessive osteopetrosis (Reported as c.480_481insG, Pangrazio et al. 2012. PubMed ID: 22231430). This variant is reported in 0.0% of alleles in individuals of African descent in gnomAD. Frameshift variants in TCIRG1 are expected to be pathogenic. This variant is interpreted as pathogenic.

Labcorp Genetics (formerly Invitae), Labcorp
Classification: Pathogenic. Last evaluated: 2025-09-01. Review status: criteria provided, single submitter. Criteria: Invitae Variant Classification Sherloc (09022015). Collection method: clinical testing. Allele origin: germline.
Comment: This sequence change creates a premature translational stop signal (p.Pro161Alafs*66) in the TCIRG1 gene. It is expected to result in an absent or disrupted protein product. Loss-of-function variants in TCIRG1 are known to be pathogenic (PMID: 10888887, 10942435, 11532986, 19448635). This variant is not present in population databases (gnomAD no frequency). This premature translational stop signal has been observed in individual(s) with osteopetrosis (PMID: 22231430). This variant is also known as c.480_481insG. ClinVar contains an entry for this variant (Variation ID: 556585). Algorithms developed to predict the effect of sequence changes on RNA splicing suggest that this variant may disrupt the consensus splice site. For these reasons, this variant has been classified as Pathogenic.

3billion
Classification: Pathogenic for Autosomal recessive osteopetrosis 1. Last evaluated: 2025-01-06. Review status: criteria provided, single submitter. Criteria: ACMG Guidelines, 2015. Collection method: clinical testing. Allele origin: germline. Affected: yes.
Comment: The variant is observed at an extremely low frequency in the gnomAD v4.1.0 dataset (total allele frequency: <0.001%). Predicted Consequence/Location: Frameshift: predicted to result in a loss or disruption of normal protein function through nonsense-mediated decay (NMD) or protein truncation. Multiple pathogenic variants are reported downstream of the variant. The variant has been reported at least twice as pathogenic with clinical assertions and evidence for the classification (ClinVar ID: VCV000556585 /PMID: 22231430 /3billion dataset). Therefore, this variant is classified as Pathogenic according to the recommendation of ACMG/AMP guideline.

Fulgent Genetics
Classification: Likely pathogenic for Autosomal recessive osteopetrosis 1. Last evaluated: 2024-05-30. Review status: criteria provided, single submitter. Criteria: ACMG Guidelines, 2015. Collection method: clinical testing. Allele origin: germline.

Baylor Genetics
Classification: Likely pathogenic for Autosomal recessive osteopetrosis 1. Last evaluated: 2024-03-20. Review status: criteria provided, single submitter. Criteria: ACMG Guidelines, 2015. Collection method: clinical testing. Allele origin: unknown.

GeneDx
Classification: Likely pathogenic. Last evaluated: 2024-01-22. Review status: criteria provided, single submitter. Criteria: GeneDx Variant Classification Process June 2021. Collection method: clinical testing. Allele origin: germline. Affected: yes.
Comment: Reported in a patient with a clinical diagnosis of severe osteopetrosis; however, it is unknown if a second TCIRG1 variant was identified in this patient (PMID: 22231430); Frameshift variant predicted to result in protein truncation or nonsense mediated decay in a gene for which loss of function is a known mechanism of disease; Not observed at significant frequency in large population cohorts (gnomAD); This variant is associated with the following publications: (PMID: 34203247, 22231430)

Counsyl
Classification: Likely pathogenic for Autosomal recessive osteopetrosis 1. Last evaluated: 2018-02-08. Review status: no assertion criteria provided. Collection method: clinical testing. Allele origin: unknown. Not counted in ClinVar's aggregate classification.

Literature cited by the submitters: PubMed 10888887 (cited by Labcorp Genetics (formerly Invitae), Labcorp); PubMed 10942435 (cited by Labcorp Genetics (formerly Invitae), Labcorp); PubMed 11532986 (cited by Labcorp Genetics (formerly Invitae), Labcorp); PubMed 19448635 (cited by Labcorp Genetics (formerly Invitae), Labcorp); PubMed 22231430 (cited by 3 submitters).

NM_006019.4(TCIRG1):c.480dup (p.Pro161fs)

Gene: TCIRG1 (T cell immune regulator 1, ATPase H+ transporting V0 subunit a3; plus strand). Cytogenetic location: 11q13.2.
Variant type: Duplication.
Coding change: c.480dup on transcript NM_006019.4 (MANE Select); coding-DNA position 480, one base duplicated (G; older notation c.480dupG).
Protein change: p.Pro161fs; shifts the reading frame from proline 161.
Molecular consequence: frameshift variant. On other transcripts: 5 prime UTR variant (2).
Genome position (GRCh38, 1-based): chr11:68,043,008, G duplicated; the last of 6 consecutive G bases (chr11:68,043,003-68,043,008); duplicating any one gives the same sequence. VCF-style (leftmost placement, unchanged base first): chr11-68043002-C-CG. GRCh37 (hg19) VCF-style: chr11-67810469-C-CG.
Other names: c.-770dup (NM_001351059.2); c.-508dup (NM_006053.4); c.480dup (NM_006019.3); c.480dupG (NM_006019.3); short protein forms P161fs.
Identifiers: ClinVar variation 556585 (VCV000556585.12), dbSNP rs1554995341, ClinGen allele CA600238567.
Genomic context (GRCh38, chr11:68,043,002, plus strand): 5'-CTAGCTGGCAGCCGCCCACACAGATGGGGCCTCAGAGAGGACGCCCCTGCTCCAGGCCCC[C>CG]GGGGGGCCGCACCAGGACCTGAGGGTCAAGTGAGTGAGGGATGACCTCATGCCCTTTCTG-3'